The following is an entry in ClinVar:

NM_031935.3(HMCN1):c.7078C>T (p.Arg2360Cys)

Gene: HMCN1 (hemicentin 1; plus strand). Cytogenetic location: 1q31.1.
Variant type: single nucleotide variant.
Coding change: c.7078C>T on transcript NM_031935.3 (MANE Select); coding-DNA position 7078, C replaced by T.
Protein change: p.Arg2360Cys; replaces arginine 2360 with cysteine.
Molecular consequence: missense variant.
Genome position (GRCh38, 1-based): chr1:186,055,608, C>T. VCF-style: chr1-186055608-C-T. GRCh37 (hg19) VCF-style: chr1-186024740-C-T.
Other names: short protein forms R2360C.
Identifiers: ClinVar variation 874717 (VCV000874717.10), dbSNP rs779454634, ClinGen allele CA1292731.

ClinVar aggregate classification (germline): Uncertain significance. Review status: criteria provided, multiple submitters, no conflicts (2 of 4 stars). 3 submissions from 3 submitters: Uncertain significance (3). Last evaluated 2023-04-11.

Conditions:
Age related macular degeneration 1 (ARMD1). Also called: MACULOPATHY, AGE-RELATED, 1. Identifiers: MedGen C1864205, MONDO:0011285, OMIM 603075.

Allele frequency attached by ClinVar (database versions not stated): gnomAD 0.00002; TOPMed 0.00002; gnomAD exomes 0.00003 and 0.00004; ExAC 0.00005.
gnomAD v4.1: 41 of 1,612,354 alleles (0.0025%); highest among the groups gnomAD compares: Middle Eastern, 0.016%; no homozygotes.

Submissions (3):

Genome-Nilou Lab
Classification: Uncertain significance for Age related macular degeneration 1. Last evaluated: 2023-04-11. Review status: criteria provided, single submitter. Criteria: ACMG Guidelines, 2015. Collection method: clinical testing. Allele origin: germline. Affected: no.

Labcorp Genetics (formerly Invitae), Labcorp
Classification: Uncertain significance. Last evaluated: 2021-10-13. Review status: criteria provided, single submitter. Criteria: Invitae Variant Classification Sherloc (09022015). Collection method: clinical testing. Allele origin: germline.
Comment: This variant has not been reported in the literature in individuals affected with HMCN1-related conditions. This sequence change replaces arginine with cysteine at codon 2360 of the HMCN1 protein (p.Arg2360Cys). The arginine residue is highly conserved and there is a large physicochemical difference between arginine and cysteine. This variant is present in population databases (rs779454634, ExAC 0.009%). ClinVar contains an entry for this variant (Variation ID: 874717). Algorithms developed to predict the effect of missense changes on protein structure and function (SIFT, PolyPhen-2, Align-GVGD) all suggest that this variant is likely to be disruptive. In summary, the available evidence is currently insufficient to determine the role of this variant in disease. Therefore, it has been classified as a Variant of Uncertain Significance.

Illumina Laboratory Services, Illumina
Classification: Uncertain significance for Age related macular degeneration 1. Last evaluated: 2018-01-12. Review status: criteria provided, single submitter. Criteria: ICSL Variant Classification Criteria 13 December 2019. Collection method: clinical testing. Allele origin: germline.